The following is an entry in ClinVar:

ClinVar aggregate classification (germline): Uncertain significance (1 of 4 stars; one submission).

gnomAD v4.1: 1 of 1,613,264 alleles (0.000062%); highest among the groups gnomAD compares: Non-Finnish European, 0.000085%; no homozygotes.

Submission:

Ambry Genetics
Classification: Uncertain significance. Last evaluated: 2025-02-26. Review status: criteria provided, single submitter. Criteria: Ambry Variant Classification Scheme 2023. Collection method: clinical testing. Allele origin: germline.
Comment: The p.Q319R variant (also known as c.956A>G), located in coding exon 8 of the RAD51B gene, results from an A to G substitution at nucleotide position 956. The glutamine at codon 319 is replaced by arginine, an amino acid with highly similar properties. This amino acid position is conserved. In addition, the in silico prediction for this alteration is inconclusive. Based on the available evidence, the clinical significance of this variant remains unclear.

NM_133510.4(RAD51B):c.956A>G (p.Gln319Arg)

Gene: RAD51B (RAD51 paralog B; plus strand). Cytogenetic location: 14q24.1.
Variant type: single nucleotide variant.
Coding change: c.956A>G on transcript NM_133510.4 (MANE Select); coding-DNA position 956, A replaced by G.
Protein change: p.Gln319Arg; replaces glutamine 319 with arginine.
Molecular consequence: missense variant.
Genome position (GRCh38, 1-based): chr14:68,411,526, A>G. VCF-style: chr14-68411526-A-G. GRCh37 (hg19) VCF-style: chr14-68878243-A-G.
Other names: c.956A>G, p.Gln319Arg (NM_001321809.2, NM_001321810.2, NM_001321812.1 and 6 more transcripts); c.842A>G, p.Gln281Arg (NM_001321815.1); c.599A>G, p.Gln200Arg (NM_001321817.2); short protein forms Q281R, Q319R, Q200R.
Identifiers: ClinVar variation 3786463 (VCV003786463.1).